The following is an entry in ClinVar:

ClinVar aggregate classification (germline): Uncertain significance (1 of 4 stars; one submission).

Submission:

Labcorp Genetics (formerly Invitae), Labcorp
Classification: Uncertain significance. Last evaluated: 2024-02-03. Review status: criteria provided, single submitter. Criteria: Invitae Variant Classification Sherloc (09022015). Collection method: clinical testing. Allele origin: germline.
Comment: This sequence change replaces glutamic acid, which is acidic and polar, with lysine, which is basic and polar, at codon 2174 of the SRCAP protein (p.Glu2174Lys). This variant is not present in population databases (gnomAD no frequency). This variant has not been reported in the literature in individuals affected with SRCAP-related conditions. Advanced modeling of protein sequence and biophysical properties (such as structural, functional, and spatial information, amino acid conservation, physicochemical variation, residue mobility, and thermodynamic stability) has been performed at Invitae for this missense variant, however the output from this modeling did not meet the statistical confidence thresholds required to predict the impact of this variant on SRCAP protein function. In summary, the available evidence is currently insufficient to determine the role of this variant in disease. Therefore, it has been classified as a Variant of Uncertain Significance.

NM_006662.3(SRCAP):c.6520G>A (p.Glu2174Lys)

Gene: SRCAP (Snf2 related CREBBP activator protein; plus strand). Cytogenetic location: 16p11.2.
Variant type: single nucleotide variant.
Coding change: c.6520G>A on transcript NM_006662.3 (MANE Select); coding-DNA position 6520, G replaced by A.
Protein change: p.Glu2174Lys; replaces glutamic acid 2174 with lysine.
Molecular consequence: missense variant.
Genome position (GRCh38, 1-based): chr16:30,733,919, G>A. VCF-style: chr16-30733919-G-A. GRCh37 (hg19) VCF-style: chr16-30745240-G-A.
Other names: short protein forms E2174K.
Identifiers: ClinVar variation 3632213 (VCV003632213.2).
Genomic context (GRCh38, chr16:30,733,919, plus strand): 5'-TTGGCTGCTTACACACGGCCTTCATCACCCCCTAGGCTTATCAGTGAACGGACAGTGGAG[G>A]AGAACATCCTAAAAAAGGCAAATCAGAAGAGAATGTTGGGGGACATGGCCATTGAGGGAG-3'
Protein context (NP_006653.2, residues 2164-2184): YRLISERTVE[Glu2174Lys]NILKKANQKR